The following is an entry in ClinVar:

NM_002692.4(POLE2):c.232G>A (p.Val78Ile)

Gene: POLE2 (DNA polymerase epsilon 2, accessory subunit; minus strand). Cytogenetic location: 14q21.3.
Variant type: single nucleotide variant.
Coding change: c.232G>A on transcript NM_002692.4 (MANE Select); coding-DNA position 232, G replaced by A.
Protein change: p.Val78Ile; replaces valine 78 with isoleucine.
Molecular consequence: missense variant. On other transcripts: 5 prime UTR variant (1).
Genome position (GRCh38, 1-based): chr14:49,679,738, C>T on the plus strand (G>A on the coding strand, the complement: POLE2 is on the minus strand). VCF-style: chr14-49679738-C-T. GRCh37 (hg19) VCF-style: chr14-50146456-C-T.
Other names: c.232G>A, p.Val78Ile (NM_001197330.2, NM_001197331.3, NM_001348384.2); c.-4G>A (NM_001348385.2); short protein forms V78I.
Identifiers: ClinVar variation 2992666 (VCV002992666.3), dbSNP rs901108431, ClinGen allele CA260661470.

ClinVar aggregate classification (germline): Uncertain significance (1 of 4 stars; one submission).

Allele frequency attached by ClinVar (database versions not stated): gnomAD 0.00001; TOPMed below 0.00001.
gnomAD v4.1: 24 of 1,592,964 alleles (0.0015%); highest among the groups gnomAD compares: African/African-American, 0.0027%; no homozygotes.

Submission:

Labcorp Genetics (formerly Invitae), Labcorp
Classification: Uncertain significance. Last evaluated: 2026-01-23. Review status: criteria provided, single submitter. Criteria: Invitae Variant Classification Sherloc (09022015). Collection method: clinical testing. Allele origin: germline.
Comment: This sequence change replaces valine, which is neutral and non-polar, with isoleucine, which is neutral and non-polar, at codon 78 of the POLE2 protein (p.Val78Ile). This variant is not present in population databases (gnomAD no frequency). This variant has not been reported in the literature in individuals affected with POLE2-related conditions. ClinVar contains an entry for this variant (Variation ID: 2992666). An algorithm developed to predict the effect of missense changes on protein structure and function outputs the following: PolyPhen-2: "Benign". The isoleucine amino acid residue is found in multiple mammalian species, which suggests that this missense change does not adversely affect protein function. In summary, the available evidence is currently insufficient to determine the role of this variant in disease. Therefore, it has been classified as a Variant of Uncertain Significance.